The following is an entry in ClinVar:

ClinVar aggregate classification (germline): Likely benign (1 of 4 stars; one submission).

gnomAD v4.1: 22 of 1,600,310 alleles (0.0014%); highest among the groups gnomAD compares: Admixed American, 0.0033%; no homozygotes.

Submission:

Women's Health and Genetics/Laboratory Corporation of America, LabCorp
Classification: Likely benign. Last evaluated: 2026-04-21. Review status: criteria provided, single submitter. Criteria: LabCorp Variant Classification Summary - May 2015. Collection method: clinical testing. Allele origin: germline.
Comment: Variant summary: PKD1 c.8670C>T alters a conserved nucleotide resulting in a synonymous change. Consensus agreement among computation tools predict no significant impact on normal splicing. However, these predictions have yet to be confirmed by functional studies. The variant allele was found at a frequency of 1.3e-05 in 235042 control chromosomes. The available data on variant occurrences in the general population are insufficient to allow any conclusion about variant significance. To our knowledge, no occurrence of c.8670C>T in individuals affected with PKD1-related conditions and no experimental evidence demonstrating its impact on protein function have been reported. No submitters have cited clinical-significance assessments for this variant to ClinVar. Based on the evidence outlined above, the variant was classified as likely benign.

NM_001009944.3(PKD1):c.8670C>T (p.Ser2890=)

Gene: PKD1 (polycystin 1, transient receptor potential channel interacting; minus strand). Cytogenetic location: 16p13.3.
Variant type: single nucleotide variant.
Coding change: c.8670C>T on transcript NM_001009944.3 (MANE Select); coding-DNA position 8670, C replaced by T.
Protein change: p.Ser2890=; no amino-acid change (serine 2890 retained).
Molecular consequence: synonymous variant.
Genome position (GRCh38, 1-based): chr16:2,103,387, G>A on the plus strand (C>T on the coding strand, the complement: PKD1 is on the minus strand). VCF-style: chr16-2103387-G-A. GRCh37 (hg19) VCF-style: chr16-2153388-G-A.
Other names: c.8670C>T, p.Ser2890= (NM_000296.4).
Identifiers: ClinVar variation 4848341 (VCV004848341.1).